The following is an entry in ClinVar:

NM_007055.4(POLR3A):c.2207T>C (p.Leu736Pro)

Gene: POLR3A (RNA polymerase III subunit A; minus strand). Cytogenetic location: 10q22.3.
Variant type: single nucleotide variant.
Coding change: c.2207T>C on transcript NM_007055.4 (MANE Select); coding-DNA position 2207, T replaced by C.
Protein change: p.Leu736Pro; replaces leucine 736 with proline.
Molecular consequence: missense variant.
Genome position (GRCh38, 1-based): chr10:78,004,756, A>G on the plus strand (T>C on the coding strand, the complement: POLR3A is on the minus strand). VCF-style: chr10-78004756-A-G. GRCh37 (hg19) VCF-style: chr10-79764514-A-G.
Other names: short protein forms L736P.
Identifiers: ClinVar variation 1370802 (VCV001370802.8), dbSNP rs2131945721, ClinGen allele CA377338015.
Genomic context (GRCh38, chr10:78,004,756, plus strand): 5'-AACCAAAGGGCCGGGCTCACCTCCAGGGTCTCCTCAGCAGTGCAGCCAGGCTGCTGCTGC[A>G]GCTTGCCCGTGTTCAGGGCTTCGATGTACTCATCACATTTCTTGTAGCCGGCATTCAGCA-3'
Protein context (NP_008986.2, residues 726-746): EYIEALNTGK[Leu736Pro]QQQPGCTAEE

ClinVar aggregate classification (germline): Uncertain significance (1 of 4 stars; one submission).

Submission:

Labcorp Genetics (formerly Invitae), Labcorp
Classification: Uncertain significance. Last evaluated: 2023-08-30. Review status: criteria provided, single submitter. Criteria: Invitae Variant Classification Sherloc (09022015). Collection method: clinical testing. Allele origin: germline.
Comment: In summary, the available evidence is currently insufficient to determine the role of this variant in disease. Therefore, it has been classified as a Variant of Uncertain Significance. Advanced modeling of protein sequence and biophysical properties (such as structural, functional, and spatial information, amino acid conservation, physicochemical variation, residue mobility, and thermodynamic stability) performed at Invitae indicates that this missense variant is expected to disrupt POLR3A protein function. ClinVar contains an entry for this variant (Variation ID: 1370802). This variant has not been reported in the literature in individuals affected with POLR3A-related conditions. This variant is not present in population databases (gnomAD no frequency). This sequence change replaces leucine, which is neutral and non-polar, with proline, which is neutral and non-polar, at codon 736 of the POLR3A protein (p.Leu736Pro).